The following is an entry in ClinVar:

NM_016648.4(LARP7):c.1056_1057del (p.Leu353fs)

Genes: LARP7 (La ribonucleoprotein 7, transcriptional regulator; plus strand), MIR302CHG (miR-302/367 cluster host gene; minus strand). Cytogenetic location: 4q25.
Variant type: Microsatellite.
Coding change: c.1056_1057del on transcript NM_016648.4 (MANE Select); coding-DNA positions 1056 to 1057, 2 bases deleted (CT; older notation c.1056_1057delCT).
Protein change: p.Leu353fs; shifts the reading frame from leucine 353.
Molecular consequence: frameshift variant.
Genome position (GRCh38, 1-based): chr4:112,647,748-112,647,749, CT deleted; deleting any 2 consecutive bases within chr4:112,647,742-112,647,749 gives the same sequence; the c. name uses the placement nearest the transcript's 3' end. VCF-style (leftmost placement, unchanged base first): chr4-112647741-GCT-G. GRCh37 (hg19) VCF-style: chr4-113568897-GCT-G.
Other names: c.1092_1093del, p.Leu365fs (NM_001370977.1, NM_001370976.1); c.1056_1057del, p.Leu353fs (NM_001370978.1, NM_015454.3, NM_001267039.4); c.1053_1054del, p.Leu352fs (NM_001370979.1, NM_001370980.1); c.819_820del, p.Leu274fs (NM_001370981.1, NM_001370982.1); c.1095_1096del, p.Leu366fs (NM_001370974.1, NM_001370975.1); c.1056_1057delCT (NM_016648.2); short protein forms L274fs, L352fs, L353fs, L365fs, L366fs.
Identifiers: ClinVar variation 3612282 (VCV003612282.4), dbSNP rs779380562.

ClinVar aggregate classification (germline): Pathogenic. Review status: criteria provided, multiple submitters, no conflicts (2 of 4 stars). 3 submissions from 3 submitters: Pathogenic (3). Last evaluated 2026-08-06.

Conditions:
Paediatric disorders.
Inborn genetic diseases. Identifiers: MedGen C0950123, MeSH D030342.

Submissions (3):

NHS Central & South Genomic Laboratory Hub
Classification: Pathogenic for Paediatric disorders. Last evaluated: 2026-08-06. Review status: criteria provided, single submitter. Criteria: ACMG Guidelines, 2015. Collection method: clinical testing. Allele origin: germline. Affected: yes.

Ambry Genetics
Classification: Pathogenic for Inborn genetic diseases. Last evaluated: 2026-05-01. Review status: criteria provided, single submitter. Criteria: Ambry Variant Classification Scheme 2023. Collection method: clinical testing. Allele origin: germline.
Comment: The c.1056_1057delCT (p.L353Efs*7) alteration, located in exon 8 (coding exon 7) of the LARP7 gene, consists of a deletion of 2 nucleotides from position 1056 to 1057, causing a translational frameshift with a predicted alternate stop codon after 7 amino acids. This variant is expected to result in loss of function by premature protein truncation or nonsense-mediated mRNA decay. Based on data from gnomAD, this allele has an overall frequency of 0.004% (8/220118) total alleles studied. The highest observed frequency was 0.018% (3/16910) of East Asian alleles. Based on the available evidence, this alteration is classified as pathogenic.

Labcorp Genetics (formerly Invitae), Labcorp
Classification: Pathogenic. Last evaluated: 2024-07-15. Review status: criteria provided, single submitter. Criteria: Invitae Variant Classification Sherloc (09022015). Collection method: clinical testing. Allele origin: germline.
Comment: This sequence change creates a premature translational stop signal (p.Leu353Glufs*7) in the LARP7 gene. It is expected to result in an absent or disrupted protein product. Loss-of-function variants in LARP7 are known to be pathogenic (PMID: 22865833, 26374271, 26607181). This variant is present in population databases (rs779380562, gnomAD 0.01%). This variant has not been reported in the literature in individuals affected with LARP7-related conditions. For these reasons, this variant has been classified as Pathogenic.

Literature cited by the submitters: PubMed 22865833 (cited by Labcorp Genetics (formerly Invitae), Labcorp); PubMed 26374271 (cited by Labcorp Genetics (formerly Invitae), Labcorp); PubMed 26607181 (cited by Labcorp Genetics (formerly Invitae), Labcorp).